The following is an entry in ClinVar:

NM_001308120.2(TOGARAM1):c.3716A>G (p.His1239Arg)

Gene: TOGARAM1 (TOG array regulator of axonemal microtubules 1; plus strand). Cytogenetic location: 14q21.2.
Variant type: single nucleotide variant.
Coding change: c.3716A>G on transcript NM_001308120.2 (MANE Select); coding-DNA position 3716, A replaced by G.
Protein change: p.His1239Arg; replaces histidine 1239 with arginine.
Molecular consequence: missense variant. On other transcripts: non-coding transcript variant (1).
Genome position (GRCh38, 1-based): chr14:45,032,280, A>G. VCF-style: chr14-45032280-A-G. GRCh37 (hg19) VCF-style: chr14-45501483-A-G.
Other names: c.3716A>G, p.His1239Arg (NM_015091.4); short protein forms H1239R.
Identifiers: ClinVar variation 3371001 (VCV003371001.2).

ClinVar aggregate classification (germline): Uncertain significance. Review status: criteria provided, multiple submitters, no conflicts (2 of 4 stars). 2 submissions from 2 submitters: Uncertain significance (2). Last evaluated 2025-06-04.

Submissions (2):

Women's Health and Genetics/Laboratory Corporation of America, LabCorp
Classification: Uncertain significance. Last evaluated: 2025-06-04. Review status: criteria provided, single submitter. Criteria: LabCorp Variant Classification Summary - May 2015. Collection method: clinical testing. Allele origin: germline.
Comment: Variant summary: TOGARAM1 c.3716A>G (p.His1239Arg) results in a non-conservative amino acid change in the encoded protein sequence. Algorithms developed to predict the effect of missense changes on protein structure and function are either unavailable or do not agree on the potential impact of this missense change. The variant allele was found at a frequency of 3.1e-06 in 1613950 control chromosomes. The available data on variant occurrences in the general population are insufficient to allow any conclusion about variant significance. To our knowledge, no occurrence of c.3716A>G in individuals affected with Joubert Syndrome 37 and no experimental evidence demonstrating its impact on protein function have been reported. ClinVar contains an entry for this variant (Variation ID: 3371001). Based on the evidence outlined above, the variant was classified as uncertain significance.

GeneDx
Classification: Uncertain significance. Last evaluated: 2024-03-13. Review status: criteria provided, single submitter. Criteria: GeneDx Variant Classification Process June 2021. Collection method: clinical testing. Allele origin: germline. Affected: yes.
Comment: Not observed at significant frequency in large population cohorts (gnomAD); In silico analysis supports that this missense variant has a deleterious effect on protein structure/function; Has not been previously published as pathogenic or benign to our knowledge